The following is an entry in ClinVar:

NM_001171.6(ABCC6):c.1963C>A (p.Gln655Lys)

Gene: ABCC6 (ATP binding cassette subfamily C member 6; minus strand). Cytogenetic location: 16p13.11.
Variant type: single nucleotide variant.
Coding change: c.1963C>A on transcript NM_001171.6 (MANE Select); coding-DNA position 1963, C replaced by A.
Protein change: p.Gln655Lys; replaces glutamine 655 with lysine.
Molecular consequence: missense variant. On other transcripts: non-coding transcript variant (1).
Genome position (GRCh38, 1-based): chr16:16,182,911, G>T on the plus strand (C>A on the coding strand, the complement: ABCC6 is on the minus strand). VCF-style: chr16-16182911-G-T. GRCh37 (hg19) VCF-style: chr16-16276768-G-T.
Other names: c.1621C>A, p.Gln541Lys (NM_001351800.1); short protein forms Q541K, Q655K.
Identifiers: ClinVar variation 1284531 (VCV001284531.10), dbSNP rs369410139, ClinGen allele CA7926070.

ClinVar aggregate classification (germline): Uncertain significance. Review status: criteria provided, multiple submitters, no conflicts (2 of 4 stars). 4 submissions from 4 submitters: Uncertain significance (2). 2 of the submissions do not count toward it. Last evaluated 2024-01-24.

Conditions:
Arterial calcification, generalized, of infancy, 2. Identifiers: Orphanet 51608, MedGen C3276161, MONDO:0013768, OMIM 614473.
Autosomal recessive inherited pseudoxanthoma elasticum (PXE). Identifiers: Orphanet 758, MedGen CN032334, MONDO:0009925, OMIM 264800.
Pseudoxanthoma elasticum, forme fruste. Also called: Pseudoxanthoma Elasticum, Incomplete; PSEUDOXANTHOMA ELASTICUM, HETEROZYGOUS. Identifiers: Orphanet 758, MedGen C1867450, MONDO:0008333, OMIM 177850.

Allele frequency attached by ClinVar (database versions not stated): gnomAD 0.00009; ESP Exome Variant Server 0.00008; gnomAD exomes below 0.00001; 1000 Genomes Project 0.00020; 1000 Genomes Project 30x 0.00031.
gnomAD v4.1: 25 of 1,614,106 alleles (0.0015%); highest among the groups gnomAD compares: African/African-American, 0.024%; no homozygotes.

Submissions (4):

Fulgent Genetics
Classification: Uncertain significance for Pseudoxanthoma elasticum, forme fruste; Autosomal recessive inherited pseudoxanthoma elasticum; Arterial calcification, generalized, of infancy, 2. Last evaluated: 2024-01-24. Review status: criteria provided, single submitter. Criteria: ACMG Guidelines, 2015. Collection method: clinical testing. Allele origin: germline.

Labcorp Genetics (formerly Invitae), Labcorp
Classification: Uncertain significance. Last evaluated: 2022-08-31. Review status: criteria provided, single submitter. Criteria: Invitae Variant Classification Sherloc (09022015). Collection method: clinical testing. Allele origin: germline.
Comment: This sequence change replaces glutamine, which is neutral and polar, with lysine, which is basic and polar, at codon 655 of the ABCC6 protein (p.Gln655Lys). This variant is present in population databases (rs369410139, gnomAD 0.03%). This variant has not been reported in the literature in individuals affected with ABCC6-related conditions. ClinVar contains an entry for this variant (Variation ID: 1284531). Advanced modeling of protein sequence and biophysical properties (such as structural, functional, and spatial information, amino acid conservation, physicochemical variation, residue mobility, and thermodynamic stability) performed at Invitae indicates that this missense variant is not expected to disrupt ABCC6 protein function. In summary, the available evidence is currently insufficient to determine the role of this variant in disease. Therefore, it has been classified as a Variant of Uncertain Significance.

Clinical Genetics DNA and cytogenetics Diagnostics Lab, Erasmus MC, Erasmus Medical Center
Classification: Uncertain significance. Review status: no assertion criteria provided. Collection method: clinical testing. Allele origin: germline. Affected: yes. Study: VKGL Data-share Consensus. Not counted in ClinVar's aggregate classification.

Clinical Genetics, Academic Medical Center
Classification: Uncertain significance. Review status: no assertion criteria provided. Collection method: clinical testing. Allele origin: germline. Affected: yes. Study: VKGL Data-share Consensus. Not counted in ClinVar's aggregate classification.